The following is an entry in ClinVar:

ClinVar aggregate classification (germline): Pathogenic (1 of 4 stars; one submission).

Conditions:
Mucopolysaccharidosis, MPS-IV-A (MPS4A). Also called: Morquio syndrome A, mild; MORQUIO SYNDROME A; GALACTOSAMINE-6-SULFATASE DEFICIENCY; GALNS DEFICIENCY; MORQUIO A DISEASE; Mucopolysaccharidosis type IV A. Identifiers: Orphanet 309297, Orphanet 582, MedGen C0086651, MONDO:0009659, OMIM 253000.

Submission:

Labcorp Genetics (formerly Invitae), Labcorp
Classification: Pathogenic for Mucopolysaccharidosis, MPS-IV-A. Last evaluated: 2025-11-12. Review status: criteria provided, single submitter. Criteria: Invitae Variant Classification Sherloc (09022015). Collection method: clinical testing. Allele origin: germline.
Comment: This sequence change affects an acceptor splice site in intron 1 of the GALNS gene. It is expected to disrupt RNA splicing. Variants that disrupt the donor or acceptor splice site typically lead to a loss of protein function (PMID: 16199547), and loss-of-function variants in GALNS are known to be pathogenic (PMID: 12442278). This variant is not present in population databases (gnomAD no frequency). Disruption of this splice site has been observed in individual(s) with mucopolysaccharidosis type IVA (PMID: 7987329). It has also been observed to segregate with disease in related individuals. Algorithms developed to predict the effect of sequence changes on RNA splicing suggest that this variant may disrupt the consensus splice site. For these reasons, this variant has been classified as Pathogenic.

Literature cited by the submitters: PubMed 16199547; PubMed 12442278; PubMed 7987329.

NM_000512.5(GALNS):c.121-2A>T

Gene: GALNS (galactosamine (N-acetyl)-6-sulfatase; minus strand). Cytogenetic location: 16q24.3.
Variant type: single nucleotide variant.
Coding change: c.121-2A>T on transcript NM_000512.5 (MANE Select); the canonical splice acceptor site of the intron before coding-DNA position 121, A replaced by T.
Molecular consequence: splice acceptor variant. On other transcripts: intron variant (1).
Genome position (GRCh38, 1-based): chr16:88,842,831, T>A on the plus strand (A>T on the coding strand, the complement: GALNS is on the minus strand). VCF-style: chr16-88842831-T-A. GRCh37 (hg19) VCF-style: chr16-88909239-T-A.
Other names: c.-311-860A>T (NM_001323543.2); c.139-2A>T (NM_001323544.2).
Identifiers: ClinVar variation 4731116 (VCV004731116.1).
Genomic context (GRCh38, chr16:88,842,831, plus strand): 5'-TCCAAATTCGGGGTCTCTCTGGAGGGCTCTCCATACACCCCGAGGTCACCCCATCCCATC[T>A]GCAGGGAAGAGCACGGGGAGGAGGAATGAGCGCCTTCTGCAGGTGCTTCTGGCCTGGGGA-3'